The following is an entry in ClinVar:

NC_000005.10:g.112707445A>C

Gene: APC (APC regulator of Wnt signaling pathway; plus strand). Cytogenetic location: 5q22.2.
Variant type: single nucleotide variant.
Genome position: GRCh38 VCF-style: chr5-112707445-A-C. GRCh37 (hg19) VCF-style: chr5-112043142-A-C.
Identifiers: ClinVar variation 4726312 (VCV004726312.1).

ClinVar aggregate classification (germline): Uncertain significance (1 of 4 stars; one submission).

Conditions:
Familial adenomatous polyposis 1 (FAP1). Also called: FAMILIAL ADENOMATOUS POLYPOSIS 1, ATTENUATED; POLYPOSIS, ADENOMATOUS INTESTINAL. Identifiers: MedGen C2713442, MONDO:0021056, OMIM 175100. Disease mechanism: loss of function.

Submission:

Labcorp Genetics (formerly Invitae), Labcorp
Classification: Uncertain significance for Familial adenomatous polyposis 1. Last evaluated: 2025-08-30. Review status: criteria provided, single submitter. Criteria: Invitae Variant Classification Sherloc (09022015). Collection method: clinical testing. Allele origin: germline.
Comment: This variant occurs in a non-coding region of the APC gene. It does not change the encoded amino acid sequence of the APC protein. This variant is not present in population databases (gnomAD no frequency). This variant has not been reported in the literature in individuals affected with APC-related conditions. Experimental studies and prediction algorithms are not available or were not evaluated, and the functional significance of this variant is currently unknown. In summary, the available evidence is currently insufficient to determine the role of this variant in disease. Therefore, it has been classified as a Variant of Uncertain Significance.